The following is an entry in ClinVar:

ClinVar aggregate classification (germline): Likely benign (0 of 4 stars; one submission).

Conditions:
AFF4-related disorder. Also called: AFF4-related condition.

Allele frequency attached by ClinVar (database versions not stated): ExAC 0.00002; TOPMed 0.00003; gnomAD 0.00004; gnomAD exomes 0.00004.
gnomAD v4.1: 58 of 1,607,010 alleles (0.0036%); highest among the groups gnomAD compares: Non-Finnish European, 0.0048%; no homozygotes.

Submission:

PreventionGenetics, part of Exact Sciences
Classification: Likely benign for AFF4-related condition. Last evaluated: 2023-01-09. Review status: no assertion criteria provided. Collection method: clinical testing. Allele origin: germline.
Comment: This variant is classified as likely benign based on ACMG/AMP sequence variant interpretation guidelines (Richards et al. 2015 PMID: 25741868, with internal and published modifications).

NM_014423.4(AFF4):c.933T>C (p.Gly311=)

Gene: AFF4 (ALF transcription elongation factor 4; minus strand). Cytogenetic location: 5q31.1.
Variant type: single nucleotide variant.
Coding change: c.933T>C on transcript NM_014423.4 (MANE Select); coding-DNA position 933, T replaced by C.
Protein change: p.Gly311=; no amino-acid change (glycine 311 retained).
Molecular consequence: synonymous variant.
Genome position (GRCh38, 1-based): chr5:132,932,208, A>G on the plus strand (T>C on the coding strand, the complement: AFF4 is on the minus strand). VCF-style: chr5-132932208-A-G. GRCh37 (hg19) VCF-style: chr5-132267900-A-G.
Identifiers: ClinVar variation 3053828 (VCV003053828.2), dbSNP rs759672106, ClinGen allele CA3409320.